The following is an entry in ClinVar:

NM_000901.5(NR3C2):c.898C>G (p.Pro300Ala)

Gene: NR3C2 (nuclear receptor subfamily 3 group C member 2; minus strand). Cytogenetic location: 4q31.23.
Variant type: single nucleotide variant.
Coding change: c.898C>G on transcript NM_000901.5 (MANE Select); coding-DNA position 898, C replaced by G.
Protein change: p.Pro300Ala; replaces proline 300 with alanine.
Molecular consequence: missense variant. On other transcripts: non-coding transcript variant (1).
Genome position (GRCh38, 1-based): chr4:148,435,963, G>C on the plus strand (C>G on the coding strand, the complement: NR3C2 is on the minus strand). VCF-style: chr4-148435963-G-C. GRCh37 (hg19) VCF-style: chr4-149357115-G-C.
Other names: c.898C>G, p.Pro300Ala (NM_001166104.2, NM_001354819.1); short protein forms P300A.
Identifiers: ClinVar variation 2873546 (VCV002873546.3), dbSNP rs778290958, ClinGen allele CA3100391.

ClinVar aggregate classification (germline): Uncertain significance (1 of 4 stars; one submission).

Allele frequency attached by ClinVar (database versions not stated): gnomAD exomes below 0.00001; ExAC 0.00002.
gnomAD v4.1: 2 of 1,614,180 alleles (0.00012%); highest among the groups gnomAD compares: Non-Finnish European, 0.00017%; no homozygotes.

Submission:

Labcorp Genetics (formerly Invitae), Labcorp
Classification: Uncertain significance. Last evaluated: 2023-04-30. Review status: criteria provided, single submitter. Criteria: Invitae Variant Classification Sherloc (09022015). Collection method: clinical testing. Allele origin: germline.
Comment: In summary, the available evidence is currently insufficient to determine the role of this variant in disease. Therefore, it has been classified as a Variant of Uncertain Significance. Advanced modeling of protein sequence and biophysical properties (such as structural, functional, and spatial information, amino acid conservation, physicochemical variation, residue mobility, and thermodynamic stability) performed at Invitae indicates that this missense variant is expected to disrupt NR3C2 protein function. This variant has not been reported in the literature in individuals affected with NR3C2-related conditions. This variant is present in population databases (rs778290958, gnomAD 0.002%). This sequence change replaces proline, which is neutral and non-polar, with alanine, which is neutral and non-polar, at codon 300 of the NR3C2 protein (p.Pro300Ala).